The following is an entry in ClinVar:

NC_000014.8:g.(?_35465916)_(35498358_?)dup

Gene: SRP54 (signal recognition particle 54; plus strand). Cytogenetic location: 14q13.2.
Variant type: Duplication.
Identifiers: ClinVar variation 3244084 (VCV003244084.1).

ClinVar aggregate classification (germline): Uncertain significance (1 of 4 stars; one submission).

Submission:

Labcorp Genetics (formerly Invitae), Labcorp
Classification: Uncertain significance. Last evaluated: 2024-01-02. Review status: criteria provided, single submitter. Criteria: Invitae Variant Classification Sherloc (09022015). Collection method: clinical testing. Allele origin: unknown.
Comment: A copy number gain of the genomic region encompassing the full coding sequence of the SRP54 gene has been identified. The boundaries of this event are unknown as they extend beyond the assayed region for this gene and therefore may encompass additional genes. As the precise location of this event is unknown, it may be in tandem or it may be located elsewhere in the genome. This variant has not been reported in the literature in individuals affected with SRP54-related conditions. In summary, the available evidence is currently insufficient to determine the role of this variant in disease. Therefore, it has been classified as a Variant of Uncertain Significance.